The following is an entry in ClinVar:

ClinVar aggregate classification (germline): Likely benign (0 of 4 stars; one submission).

Conditions:
RAB3GAP2-related disorder. Also called: RAB3GAP2-related condition; RAB3GAP2-related disorders.

Allele frequency attached by ClinVar (database versions not stated): gnomAD exomes 0.00001; TOPMed 0.00001.
gnomAD v4.1: 10 of 1,614,164 alleles (0.00062%); highest among the groups gnomAD compares: Non-Finnish European, 0.00085%; no homozygotes.

Submission:

PreventionGenetics, part of Exact Sciences
Classification: Likely benign for RAB3GAP2-related condition. Last evaluated: 2022-12-27. Review status: no assertion criteria provided. Collection method: clinical testing. Allele origin: germline.
Comment: This variant is classified as likely benign based on ACMG/AMP sequence variant interpretation guidelines (Richards et al. 2015 PMID: 25741868, with internal and published modifications).

NM_012414.4(RAB3GAP2):c.2607A>G (p.Ser869=)

Gene: RAB3GAP2 (RAB3 GTPase activating non-catalytic protein subunit 2; minus strand). Cytogenetic location: 1q41.
Variant type: single nucleotide variant.
Coding change: c.2607A>G on transcript NM_012414.4 (MANE Select); coding-DNA position 2607, A replaced by G.
Protein change: p.Ser869=; no amino-acid change (serine 869 retained).
Molecular consequence: synonymous variant.
Genome position (GRCh38, 1-based): chr1:220,171,091, T>C on the plus strand (A>G on the coding strand, the complement: RAB3GAP2 is on the minus strand). VCF-style: chr1-220171091-T-C. GRCh37 (hg19) VCF-style: chr1-220344433-T-C.
Identifiers: ClinVar variation 3029288 (VCV003029288.2), dbSNP rs1658167378, ClinGen allele CA423262026.
Genomic context (GRCh38, chr1:220,171,091, plus strand): 5'-AAGGAGTTTCCAGTACTCAGTGTCAAGAGAAAGTGCCTCCCAGGAATCAGTGAGGGCCTC[T>C]GAATCAGCACCCAAAACTGTTTGGGAAAACTAATAAAAAATGCACTGGTGATTCTTTGCC-3'
Protein context (NP_036546.2, residues 859-879): KFSQTVLGAD[Ser869=]EALTDSWEAL